The following is an entry in ClinVar:

NM_014874.4(MFN2):c.865C>A (p.Leu289Met)

Gene: MFN2 (mitofusin 2; plus strand). Cytogenetic location: 1p36.22.
Variant type: single nucleotide variant.
Coding change: c.865C>A on transcript NM_014874.4 (MANE Select); coding-DNA position 865, C replaced by A.
Protein change: p.Leu289Met; replaces leucine 289 with methionine.
Molecular consequence: missense variant.
Genome position (GRCh38, 1-based): chr1:12,001,449, C>A. VCF-style: chr1-12001449-C-A. GRCh37 (hg19) VCF-style: chr1-12061506-C-A.
Other names: c.865C>A, p.Leu289Met (NM_001127660.2); short protein forms L289M.
Identifiers: ClinVar variation 4854866 (VCV004854866.1).

ClinVar aggregate classification (germline): Uncertain significance (1 of 4 stars; one submission).

Conditions:
Charcot-Marie-Tooth disease type 2A2. Also called: CHARCOT-MARIE-TOOTH DISEASE, AXONAL, TYPE 2A2; Charcot-Marie-Tooth Neuropathy Type 2A2; CHARCOT-MARIE-TOOTH DISEASE, AXONAL, AUTOSOMAL DOMINANT, TYPE 2A2A; CHARCOT-MARIE-TOOTH DISEASE, NEURONAL, TYPE 2A2; HEREDITARY MOTOR AND SENSORY NEUROPATHY IIA2; HMSN IIA2. Identifiers: Orphanet 99947, MedGen C4721887, MONDO:0012231, OMIM 609260.

Submission:

3billion
Classification: Uncertain significance for Charcot-Marie-Tooth disease type 2A2. Last evaluated: 2025-10-06. Review status: criteria provided, single submitter. Criteria: ACMG Guidelines, 2015. Collection method: clinical testing. Allele origin: germline. Affected: yes.
Comment: The variant is not observed in the gnomAD v4.1.0 dataset. Predicted Consequence/Location: Missense variant In silico tool predictions suggest damaging effect of the variant on gene or gene product [REVEL: 0.85 (>=0.6, sensitivity 0.68 and specificity 0.92); 3Cnet: 0.98 (> 0.75, sensitivity 0.96 and precision 0.92)]. Different missense changes at the same codon have been reported as of uncertain significance (ClinVar ID: VCV001722183). Therefore, this variant is classified as VUS according to the recommendation of ACMG/AMP guideline.